The following continues an entry in ClinVar:

NM_000218.3(KCNQ1):c.573_577del (p.Arg192fs)

Gene: KCNQ1. ClinVar aggregate classification (germline): Pathogenic/Likely pathogenic. Pathogenic (19); Likely pathogenic (1).

Submissions 10 to 21 of 21:

ARUP Laboratories, Molecular Genetics and Genomics, ARUP Laboratories
Classification: Pathogenic. Last evaluated: 2023-01-17. Review status: criteria provided, single submitter. Criteria: ARUP Molecular Germline Variant Investigation Process 2024. Collection method: clinical testing. Allele origin: germline.
Comment: The KCNQ1 c.573_577delGCGCT; p.Arg192CysfsTer91 variant (rs397508118), also known as 572del5, 735-739delGCGCT, L191fs/90, or L191fs +90X, is reported in the literature in the homozygous or compound heterozygous state in several individuals and families affected with Jervell and Lange-Nielsen syndrome or in the heterozygous state in individuals with long QT syndrome (Ackerman 1999, Anderson 2015, Giudicessi 2013, Huang 2001), and is a founder variant in the Norwegian population (Tranebjaerg 1999). This variant is also reported in ClinVar (Variation ID: 53072), but is only observed on four alleles in the Genome Aggregation Database, indicating it is not a common polymorphism. This variant causes a frameshift by deleting 5 nucleotides, so it is predicted to result in a truncated protein or mRNA subject to nonsense-mediated decay. In vitro functional analyses demonstrate reduced current and a mild dominant negative effect (Huang 2001). Based on available information, this variant is considered to be pathogenic. References: Ackerman MJ et al. Swimming, a gene-specific arrhythmogenic trigger for inherited long QT syndrome. Mayo Clin Proc. 1999 Nov;74(11):1088-94. PMID: 10560595. Anderson HN et al. Marked, transient, emotion-triggered QT accentuation in an adolescent female with type 1 long QT syndrome. Cardiol Young. 2015 Feb;25(2):376-9. PMID: 24666684. Giudicessi JR and Ackerman MJ. Prevalence and potential genetic determinants of sensorineural deafness in KCNQ1 homozygosity and compound heterozygosity. Circ Cardiovasc Genet. 2013 Apr;6(2):193-200. PMID: 23392653. Huang L et al. A spectrum of functional effects for disease causing mutations in the Jervell and Lange-Nielsen syndrome. Cardiovasc Res. 2001 Sep;51(4):670-80. PMID: 11530100. Tranebjaerg L et al. Jervell and Lange-Nielsen syndrome: a Norwegian perspective. Am J Med Genet. 1999 Sep 24;89(3):137-46. PMID: 10704188.

GeneDx
Classification: Pathogenic. Last evaluated: 2022-01-24. Review status: criteria provided, single submitter. Criteria: GeneDx Variant Classification Process June 2021. Collection method: clinical testing. Allele origin: germline. Affected: yes.
Comment: Observed in the heterozygous state in multiple individuals from different ethnic backgrounds with long QT syndrome (Stattin et al., 2012; Anderson et al., 2014; Seethala et al., 2015; Gaba et al., 2016); Prevalence and haplotype studies suggest it is a founder mutation in the Scandanavian population (Tyson et al., 1997; Winbo et al., 2012); Denoted in published literature as c.735_739delGCGCT, 5 bp deletion of nt 187-191, 572del5, c.572_576del, L191fs/90 and L191fs +90X, due to the use of alternate nomenclature; Not observed at significant frequency in large population cohorts (gnomAD); Frameshift variant predicted to result in protein truncation or nonsense mediated decay in a gene for which loss-of-function is a known mechanism of disease; Published functional studies demonstrate this variant alone did not produce any significant potassium current and had a mild dominant negative when co-expressed with wild-type KCNQ1 channels (Huang et al., 2001); Reported in ClinVar as pathogenic (ClinVar Variant ID# 53072; ClinVar); This variant is associated with the following publications: (PMID: 15466642, 8528244, 31019026, 11530100, 5923041, 26681611, 9328483, 10704188, 11140949, 23098067, 22539601, 24666684, 26675252, 27451284, 23392653, 22677073, 23631430, 19716085, 10973849, 15840476, 30406014, 30369311, 17470695, 10560595, 25471708, 25991456, 18452873, 19841300, 26318259, 31447099, 33087929, 34319147, 34411974)

Clinical Genetics Laboratory, Region Ostergotland
Classification: Pathogenic for Long QT syndrome 1. Last evaluated: 2020-10-12. Review status: criteria provided, single submitter. Criteria: ACMG Guidelines, 2015. Collection method: clinical testing. Allele origin: germline. Affected: yes.
Comment: PVS1, PM2, PP5

Revvity Omics, Revvity
Classification: Pathogenic. Last evaluated: 2019-10-25. Review status: criteria provided, single submitter. Criteria: ACMG Guidelines, 2015. Collection method: clinical testing. Allele origin: germline.

Human Genome Sequencing Center Clinical Lab, Baylor College of Medicine
Classification: Pathogenic for Long QT syndrome 1; Jervell and Lange-Nielsen syndrome 1. Last evaluated: 2018-10-08. Review status: criteria provided, single submitter. Criteria: ACMG Guidelines, 2015. Collection method: clinical testing. Allele origin: germline.
Comment: The c.573_577delGCGCT (p. Arg192Cysfs*91) variant in the KCNQ1 gene was predicted to produce a truncated protein. It has been observed in multiple individuals with long QT syndrome and was segregated in a Norwegian family with Long QT syndrome (PMID: 10704188, 11530100, 23392653). This variant is extremely rare in the general population according to gnomAD database. Therefore, this c.573_577delGCGCT (p. Arg192Cysfs*91) variant in the KCNQ1 gene is classified as pathogenic.

Center for Advanced Laboratory Medicine, UC San Diego Health, University of California San Diego
Classification: Pathogenic for Long QT Syndrome. Last evaluated: 2018-01-23. Review status: criteria provided, single submitter. Criteria: ACMG Guidelines, 2015. Collection method: clinical testing. Allele origin: germline. Affected: yes. Observed: 1 variant allele.

Rady Children's Institute for Genomic Medicine, Rady Children's Hospital San Diego
Classification: Pathogenic for LONG QT SYNDROME 1. Last evaluated: 2017-11-30. Review status: criteria provided, single submitter. Criteria: ACMG Guidelines, 2015. Collection method: clinical testing. Allele origin: germline. Affected: yes. Observed: 1 variant allele.
Comment: This frameshifting variant is predicted to lead to early termination of the KCNQ1 protein. There are multiple reports of the variant by clinical laboratories as pathogenic in ClinVar (Variation ID 53072) and in the literature (PMID: 24666684, 11530100, 10560595). Truncating variants in KCNQ1 are established as disease causing, and the variant is predicted by in silico methods to be damaging. Functional characterization of the variant indicated electrophysiological consequences on channel functioning (PMID: 11530100). It is seen in 2 heterozygotes in gnomAD, thus the variant is rare. Based on the combined evidence, the variant is classified as pathogenic.

Laboratory for Molecular Medicine, Mass General Brigham Personalized Medicine
Classification: Pathogenic for Familial long QT syndrome; Jervell and Lange-Nielsen syndrome. Last evaluated: 2017-06-28. Review status: criteria provided, single submitter. Criteria: LMM Criteria. Collection method: clinical testing. Allele origin: germline. Observed: 1 variant allele.
Comment: The p.Arg192CysfsX91 variant is reported to be a Scandinavian founder variant in KCNQ1 and has been identified in the homozygous or compound heterozygous state in at least 10 individuals from 9 families with Jervell and Lange-Nielsen syndro me (JLNS). Most of the older relatives who were heterozygous carriers of this va riant were asymptomatic with normal QT intervals, while at least 3 had clinical features of long QT syndrome (LQTS; Tranebjareg 1999, Winbo 2012), indicating re duced penetrance. This variant has also been identified in at least 4 unrelated individuals with LQTS (Ackerman 1999, Lieve 2013, Anderson 2015) and has been re ported in ClinVar (Variation ID: 53072). In vitro functional studies provide som e evidence that the p.Arg192CysfsX91 variant may slightly impact protein functio n (Huang 2001). Additionally, this variant has been identified in 4/113014 of Eu ropean chromosomes by gnomAD. This variant is predicted to cause a frameshift, which alters the protein?s amino acid sequence beginning at position 192 and leads to a premature termination codon 91 amino a cids downstream. This alteration is then predicted to lead to a truncated or abs ent protein. Loss-of-function variants in KCNQ1 are associated with LQTS (also k nown as Romano-Ward syndrome) in the heterozygous state and with JLNS in the com pound heterozygous or homozygous state. In summary, this variant meets criteria to be classified as pathogenic for LQTS in an autosomal dominant manner with red uced penetrance and JLNS in an autosomal recessive manner. ACMG/AMP criteria: PV S1, PS4, PM2.

Stanford Center for Inherited Cardiovascular Disease, Stanford University
Classification: Likely pathogenic. Last evaluated: 2016-09-22. Review status: criteria provided, single submitter. Criteria: ACMG Guidelines, 2015. Collection method: provider interpretation. Allele origin: germline.

Women's Health and Genetics/Laboratory Corporation of America, LabCorp
Classification: Pathogenic for Cardiovascular phenotype. Last evaluated: 2016-05-17. Review status: criteria provided, single submitter. Criteria: LabCorp Variant Classification Summary - May 2015. Collection method: clinical testing. Allele origin: germline.
Comment: Variant summary: The KCNQ1 c.573_577delGCGCT (p.Arg192Cysfs) variant results in a premature termination codon, predicted to cause a truncated or absent KCNQ1 protein due to nonsense mediated decay, which are commonly known mechanisms for disease. This variant was found in 4/120312 control chromosomes at a frequency of 0.0000332, which does not exceed the estimated maximal expected allele frequency of a pathogenic KCNQ1 variant (0.0000833). The variant is recurrently reported in patients with JLNS in homozygous as well as heterozygous state. The variant is also reported in heterozygous state in LQTS patients or in individuals suspected of LQTS diagnosis, in individuals with normal or borderline QTS prolongation, atrial fibrillation and sudden unexplained death, suggesting that clinical features associated with a heterozygous c.573_577delGCGCT variant are variable. Functional data are consistent with disease-causing role of this variant. It has also been reported as a probable founder/common mutation in Norway and Sweden causing JLNS. One clinical labs in ClinVar as well as reputable databases have classified it as pathogenic. Taken together, this variant has been classified as Pathogenic.

Rady Children's Institute for Genomic Medicine, Rady Children's Hospital San Diego
Classification: Pathogenic for KCNQ1-related disorders. Review status: criteria provided, single submitter. Criteria: ACMG Guidelines, 2015. Collection method: clinical testing. Allele origin: germline. Affected: yes.
Comment: This frameshifting variant in exon 3 of 16 introduces a premature stop codon and is therefore predicted to result in loss of normal protein function through either protein truncation or nonsense-mediated mRNA decay (NMD). This variant has been previously reported as a heterozygous change in multiple individuals with long QT syndrome (PMID: 10560595, 22539601, 24666684, 11530100, 23392653). Functional studies showed the c.573_577del (p.Arg192CysfsTer91) variant causes a dominant-negative effect on KCNQ1 function (PMID: 11530100). The c.573_577del (p.Arg192CysfsTer91) variant is present in the heterozygous state in the gnomAD population database at a frequency of 0.002% (4/249462) and thus is presumed to be rare. Based on the available evidence, the c.573_577del (p.Arg192CysfsTer91) variant is classified as Pathogenic.

GeneReviews
No classification provided. Condition: Jervell and Lange-Nielsen syndrome 1. Review status: no classification provided. Collection method: literature only. Allele origin: germline. Not counted in ClinVar's aggregate classification.

Literature cited by the submitters: PubMed 9323054 (cited by Labcorp Genetics (formerly Invitae), Labcorp); PubMed 19862833 (cited by Labcorp Genetics (formerly Invitae), Labcorp); PubMed 10560595 (cited by 4 submitters); PubMed 11530100 (cited by 5 submitters); PubMed 22539601 (cited by 7 submitters); PubMed 23392653 (cited by 3 submitters); PubMed 24666684 (cited by 6 submitters); PubMed 20662986 (cited by Mayo Clinic Laboratories, Mayo Clinic); PubMed 30406014 (cited by 3 submitters); PubMed 34505893 (cited by Mayo Clinic Laboratories, Mayo Clinic); PubMed 36310718 (cited by Mayo Clinic Laboratories, Mayo Clinic); PubMed 10704188 (cited by 4 submitters); PubMed 9328483 (cited by Ambry Genetics and Women's Health and Genetics/Laboratory Corporation of America, LabCorp); PubMed 25471708 (cited by Color Diagnostics, LLC DBA Color Health and All of Us Research Program, National Institutes of Health); PubMed 27451284 (cited by Color Diagnostics, LLC DBA Color Health and All of Us Research Program, National Institutes of Health); PubMed 30369311 (cited by Color Diagnostics, LLC DBA Color Health and All of Us Research Program, National Institutes of Health); PubMed 31246743 (cited by Color Diagnostics, LLC DBA Color Health and All of Us Research Program, National Institutes of Health); PubMed 31520628 (cited by Color Diagnostics, LLC DBA Color Health and All of Us Research Program, National Institutes of Health); PubMed 32893267 (cited by Color Diagnostics, LLC DBA Color Health and All of Us Research Program, National Institutes of Health); PubMed 23631430 (cited by Laboratory for Molecular Medicine, Mass General Brigham Personalized Medicine); PubMed 18452873 (cited by Women's Health and Genetics/Laboratory Corporation of America, LabCorp); PubMed 10973849 (cited by Women's Health and Genetics/Laboratory Corporation of America, LabCorp); PubMed 15840476 (cited by Women's Health and Genetics/Laboratory Corporation of America, LabCorp); PubMed 22677073 (cited by Women's Health and Genetics/Laboratory Corporation of America, LabCorp); PubMed 25991456 (cited by Women's Health and Genetics/Laboratory Corporation of America, LabCorp); PubMed 11140949 (cited by Women's Health and Genetics/Laboratory Corporation of America, LabCorp); NCBI Bookshelf NBK1405 (cited by GeneReviews).